The following is an entry in ClinVar:

ClinVar aggregate classification (germline): Uncertain significance (1 of 4 stars; one submission).

Submission:

Labcorp Genetics (formerly Invitae), Labcorp
Classification: Uncertain significance. Last evaluated: 2025-08-05. Review status: criteria provided, single submitter. Criteria: Invitae Variant Classification Sherloc (09022015). Collection method: clinical testing. Allele origin: germline.
Comment: This sequence change replaces serine, which is neutral and polar, with threonine, which is neutral and polar, at codon 896 of the MYH3 protein (p.Ser896Thr). This variant is not present in population databases (gnomAD no frequency). This variant has not been reported in the literature in individuals affected with MYH3-related conditions. Invitae Evidence Modeling of protein sequence and biophysical properties (such as structural, functional, and spatial information, amino acid conservation, physicochemical variation, residue mobility, and thermodynamic stability) indicates that this missense variant is not expected to disrupt MYH3 protein function with a negative predictive value of 95%. In summary, the available evidence is currently insufficient to determine the role of this variant in disease. Therefore, it has been classified as a Variant of Uncertain Significance.

NM_002470.4(MYH3):c.2687G>C (p.Ser896Thr)

Gene: MYH3 (myosin heavy chain 3; minus strand). Cytogenetic location: 17p13.1.
Variant type: single nucleotide variant.
Coding change: c.2687G>C on transcript NM_002470.4 (MANE Select); coding-DNA position 2687, G replaced by C.
Protein change: p.Ser896Thr; replaces serine 896 with threonine.
Molecular consequence: missense variant.
Genome position (GRCh38, 1-based): chr17:10,639,798, C>G on the plus strand (G>C on the coding strand, the complement: MYH3 is on the minus strand). VCF-style: chr17-10639798-C-G. GRCh37 (hg19) VCF-style: chr17-10543115-C-G.
Other names: short protein forms S896T.
Identifiers: ClinVar variation 4800676 (VCV004800676.1).
Genomic context (GRCh38, chr17:10,639,798, plus strand): 5'-AGCTGGAATTTGGCTTTGATCAGCTGATCGCATCTTTCCTCAGCATCCAACAAATTTTCG[C>G]TTTCCTTAAAAAAAAAAGAATAATAACTTCGTTGAATGATATAAGGTTTGCGACATTCCA-3'
Protein context (NP_002461.2, residues 886-906): NDLQLQVQAE[Ser896Thr]ENLLDAEERC